The following is an entry in ClinVar:

NM_001111067.4(ACVR1):c.911G>A (p.Ser304Asn)

Gene: ACVR1 (activin A receptor type 1; minus strand). Cytogenetic location: 2q24.1.
Variant type: single nucleotide variant.
Coding change: c.911G>A on transcript NM_001111067.4 (MANE Select); coding-DNA position 911, G replaced by A.
Protein change: p.Ser304Asn; replaces serine 304 with asparagine.
Molecular consequence: missense variant.
Genome position (GRCh38, 1-based): chr2:157,766,076, C>T on the plus strand (G>A on the coding strand, the complement: ACVR1 is on the minus strand). VCF-style: chr2-157766076-C-T. GRCh37 (hg19) VCF-style: chr2-158622588-C-T.
Other names: c.911G>A (NM_001105.4); c.911G>A, p.Ser304Asn (NM_001105.5, NM_001347663.1, NM_001347664.1 and 3 more transcripts); short protein forms S304N.
Identifiers: ClinVar variation 2995345 (VCV002995345.4), dbSNP rs771301363, ClinGen allele CA1919039.

ClinVar aggregate classification (germline): Uncertain significance. Review status: criteria provided, multiple submitters, no conflicts (2 of 4 stars). 2 submissions from 2 submitters: Uncertain significance (2). Last evaluated 2025-07-02.

Conditions:
Inborn genetic diseases. Identifiers: MedGen C0950123, MeSH D030342.

Allele frequency attached by ClinVar (database versions not stated): ExAC 0.00001.
gnomAD v4.1: 6 of 1,614,104 alleles (0.00037%); highest among the groups gnomAD compares: Admixed American, 0.0017%; no homozygotes.

Submissions (2):

Ambry Genetics
Classification: Uncertain significance for Inborn genetic diseases. Last evaluated: 2025-07-02. Review status: criteria provided, single submitter. Criteria: Ambry Variant Classification Scheme 2023. Collection method: clinical testing. Allele origin: germline.

Labcorp Genetics (formerly Invitae), Labcorp
Classification: Uncertain significance. Last evaluated: 2025-03-30. Review status: criteria provided, single submitter. Criteria: Invitae Variant Classification Sherloc (09022015). Collection method: clinical testing. Allele origin: germline.
Comment: This sequence change replaces serine, which is neutral and polar, with asparagine, which is neutral and polar, at codon 304 of the ACVR1 protein (p.Ser304Asn). This variant is present in population databases (rs771301363, gnomAD 0.003%). This variant has not been reported in the literature in individuals affected with ACVR1-related conditions. This missense change has been observed in at least one individual who was not affected with ACVR1-related conditions (internal data). ClinVar contains an entry for this variant (Variation ID: 2995345). An algorithm developed to predict the effect of missense changes on protein structure and function (PolyPhen-2) suggests that this variant is likely to be tolerated. In summary, the available evidence is currently insufficient to determine the role of this variant in disease. Therefore, it has been classified as a Variant of Uncertain Significance.